The following is an entry in ClinVar:

ClinVar aggregate classification (germline): Uncertain significance. Review status: criteria provided, multiple submitters, no conflicts (2 of 4 stars). 3 submissions from 3 submitters: Uncertain significance (3). Last evaluated 2025-03-04.

Conditions:
Hereditary nonpolyposis colorectal neoplasms. Identifiers: MedGen C0009405, MeSH D003123.
Hereditary cancer-predisposing syndrome. Also called: Neoplastic Syndromes, Hereditary; Tumor predisposition; Hereditary neoplastic syndrome; Hereditary Cancer Syndrome. Identifiers: Orphanet 140162, MedGen C0027672, MeSH D009386, MONDO:0015356.

Submissions (3):

Center for Genomic Medicine, Rigshospitalet, Copenhagen University Hospital
Classification: Uncertain significance. Last evaluated: 2025-03-04. Review status: criteria provided, single submitter. Criteria: ACMG Guidelines, 2015. Collection method: clinical testing. Allele origin: germline.

Labcorp Genetics (formerly Invitae), Labcorp
Classification: Uncertain significance for Hereditary nonpolyposis colorectal neoplasms. Last evaluated: 2021-05-08. Review status: criteria provided, single submitter. Criteria: Invitae Variant Classification Sherloc (09022015). Collection method: clinical testing. Allele origin: germline.
Comment: In summary, the available evidence is currently insufficient to determine the role of this variant in disease. Therefore, it has been classified as a Variant of Uncertain Significance. Algorithms developed to predict the effect of missense changes on protein structure and function are either unavailable or do not agree on the potential impact of this missense change (SIFT: "Deleterious"; PolyPhen-2: "Probably Damaging"; Align-GVGD: "Class C15"). This variant has not been reported in the literature in individuals with PMS2-related conditions. This variant is not present in population databases (ExAC no frequency). This sequence change replaces aspartic acid with glycine at codon 119 of the PMS2 protein (p.Asp119Gly). The aspartic acid residue is highly conserved and there is a moderate physicochemical difference between aspartic acid and glycine.

Ambry Genetics
Classification: Uncertain significance for Hereditary cancer-predisposing syndrome. Last evaluated: 2018-01-09. Review status: criteria provided, single submitter. Criteria: Ambry Variant Classification Scheme 2023. Collection method: clinical testing. Allele origin: germline.

NM_000535.7(PMS2):c.356A>G (p.Asp119Gly)

Gene: PMS2 (PMS1 homolog 2, mismatch repair system component; minus strand). Cytogenetic location: 7p22.1.
Variant type: single nucleotide variant.
Coding change: c.356A>G on transcript NM_000535.7 (MANE Select); coding-DNA position 356, A replaced by G.
Protein change: p.Asp119Gly; replaces aspartic acid 119 with glycine.
Molecular consequence: missense variant. On other transcripts: 5 prime UTR variant (8), non-coding transcript variant (1).
Genome position (GRCh38, 1-based): chr7:6,002,634, T>C on the plus strand (A>G on the coding strand, the complement: PMS2 is on the minus strand). VCF-style: chr7-6002634-T-C. GRCh37 (hg19) VCF-style: chr7-6042265-T-C.
Other names: c.356A>G (NM_000535.5); c.-50A>G (NM_001322003.2, NM_001322004.2, NM_001322005.2 and 3 more transcripts); c.356A>G, p.Asp119Gly (NM_001322006.2, NM_001322014.2); c.38A>G, p.Asp13Gly (NM_001322007.2, NM_001322008.2); c.-529A>G (NM_001322011.2, NM_001322012.2); c.47A>G, p.Asp16Gly (NM_001322015.2); short protein forms D119G, D13G, D16G.
Identifiers: ClinVar variation 1352353 (VCV001352353.11), dbSNP rs2128819431, ClinGen allele CA366744511.
Genomic context (GRCh38, chr7:6,002,634, plus strand): 5'-TGATCAAACATCAGTCGAGTTCCAACCTTCGCCGATGCGTGGCAGGTAGAAATGGTGACA[T>C]CGCTGTGAGAGAATACCAGGCATGGTGTGTTCAGTGAGAGACCCATGATGTTGGGCACTG-3'
Protein context (NP_000526.2, residues 109-129): EALSSLCALS[Asp119Gly]VTISTCHASA